The following is an entry in ClinVar:

ClinVar aggregate classification (germline): Benign (1 of 4 stars; one submission).

Conditions:
Autosomal recessive omodysplasia (OMOD1). Also called: MICROMELIC DYSPLASIA, CONGENITAL, WITH DISLOCATION OF RADIUS. Identifiers: Orphanet 2733, Orphanet 93329, MedGen C1850318, MONDO:0009779, OMIM 258315.

Allele frequency attached by ClinVar (database versions not stated): gnomAD 0.00331 and 0.00354; TOPMed 0.00355; 1000 Genomes Project 0.00459; 1000 Genomes Project 30x 0.00500.

Submission:

Illumina Laboratory Services, Illumina
Classification: Benign for Autosomal recessive omodysplasia. Last evaluated: 2018-01-13. Review status: criteria provided, single submitter. Criteria: ICSL Variant Classification Criteria 13 December 2019. Collection method: clinical testing. Allele origin: germline.
Comment: This variant was observed in the ICSL laboratory as part of a predisposition screen in an ostensibly healthy population. It had not been previously curated by ICSL or reported in the Human Gene Mutation Database (HGMD: prior to June 1st, 2018), and was therefore a candidate for classification through an automated scoring system. Utilizing variant allele frequency, disease prevalence and penetrance estimates, and inheritance mode, an automated score was calculated to assess if this variant is too frequent to cause the disease. Based on the score and internal cut-off values, a variant classified as benign is not then subjected to further curation. The score for this variant resulted in a classification of benign for this disease.

NM_005708.5(GPC6):c.*2465A>G

Gene: GPC6 (glypican 6; plus strand). Cytogenetic location: 13q32.1.
Variant type: single nucleotide variant.
Coding change: c.*2465A>G on transcript NM_005708.5 (MANE Select); 2465 bases downstream of the stop codon, A replaced by G.
Molecular consequence: 3 prime UTR variant.
Genome position (GRCh38, 1-based): chr13:94,405,682, A>G. VCF-style: chr13-94405682-A-G. GRCh37 (hg19) VCF-style: chr13-95057936-A-G.
Identifiers: ClinVar variation 881206 (VCV000881206.4), dbSNP rs115005705, ClinGen allele CA254192519.
Genomic context (GRCh38, chr13:94,405,682, plus strand): 5'-GAATGTGAACCCATGTTCTATACGCACTAAACACACAGTTAATATATAAACGCCTGCTTC[A>G]TTTGTTTCAACACCTTCATTATCAATATGATTCATATTGATGAGATATAGTGATGCATAA-3'